The following is an entry in ClinVar:

ClinVar aggregate classification (germline): Uncertain significance/VUS-high. Review status: criteria provided, multiple submitters, no conflicts (2 of 4 stars). 2 submissions from 2 submitters: Uncertain significance (1); VUS-high (1). Last evaluated 2026-04-01.

Conditions:
Epilepsy, early-onset, vitamin B6-dependent. Also called: PLPBP Deficiency; EPILEPSY, EARLY-ONSET, 1, VITAMIN B6-DEPENDENT. Identifiers: MedGen C4310632, MONDO:0015005, OMIM 617290.

gnomAD v4.1: 9 of 1,613,820 alleles (0.00056%); highest among the groups gnomAD compares: African/African-American, 0.0027%; no homozygotes.

Submissions (2):

Department of Genetics, Sultan Qaboos University Hospital
Classification: Uncertain significance for Epilepsy, early-onset, vitamin B6-dependent. Last evaluated: 2026-04-01. Review status: criteria provided, single submitter. Criteria: ACMG Guidelines, 2015. Collection method: clinical testing. Allele origin: germline. Affected: yes. Observed: 1 variant allele.
Comment: PM2_Supporting, PS4_Supporting

Solve-RD Consortium
Classification: VUS-high for Epilepsy, early-onset, vitamin B6-dependent. Review status: criteria provided, single submitter. Criteria: ACMG Guidelines, 2015. Collection method: provider interpretation. Allele origin: germline. Inheritance: Autosomal recessive inheritance. Affected: yes. Study: Solve-RD DIFT-EpiCARE reanalysis.
Comment: PM2, PM3, PP3

Variant identified during reanalysis of unsolved cases by the Solve-RD project. The Solve-RD project has received funding from the European Union’s Horizon 2020 research and innovation programme under grant agreement No 779257.

NM_007198.4(PLPBP):c.121C>T (p.Arg41Trp)

Gene: PLPBP (pyridoxal phosphate binding protein; plus strand). Cytogenetic location: 8p11.23.
Variant type: single nucleotide variant.
Coding change: c.121C>T on transcript NM_007198.4 (MANE Select); coding-DNA position 121, C replaced by T.
Protein change: p.Arg41Trp; replaces arginine 41 with tryptophan.
Molecular consequence: missense variant. On other transcripts: 5 prime UTR variant (1).
Genome position (GRCh38, 1-based): chr8:37,765,547, C>T. VCF-style: chr8-37765547-C-T. GRCh37 (hg19) VCF-style: chr8-37623065-C-T.
Other names: c.121C>T, p.Arg41Trp (NM_001349346.2, NM_001349347.2); c.-36C>T (NM_001349348.2); c.226C>T, p.Arg76Trp (NM_001349349.1); short protein forms R41W, R76W.
Identifiers: ClinVar variation 4852427 (VCV004852427.2).